The following is an entry in ClinVar:

ClinVar aggregate classification (germline): Uncertain significance (1 of 4 stars; one submission).

Conditions:
Mosaic variegated aneuploidy syndrome 1 (MVA1). Also called: Warburton-Anyane-Yeboa syndrome. Identifiers: Orphanet 1052, MedGen C1850343, MONDO:0009759, OMIM 257300.

Submission:

Labcorp Genetics (formerly Invitae), Labcorp
Classification: Uncertain significance for Mosaic variegated aneuploidy syndrome 1. Last evaluated: 2023-04-25. Review status: criteria provided, single submitter. Criteria: Invitae Variant Classification Sherloc (09022015). Collection method: clinical testing. Allele origin: germline.
Comment: In summary, the available evidence is currently insufficient to determine the role of this variant in disease. Therefore, it has been classified as a Variant of Uncertain Significance. An algorithm developed to predict the effect of missense changes on protein structure and function (PolyPhen-2) suggests that this variant is likely to be tolerated. This variant has not been reported in the literature in individuals affected with BUB1B-related conditions. This variant is not present in population databases (gnomAD no frequency). This sequence change replaces aspartic acid, which is acidic and polar, with alanine, which is neutral and non-polar, at codon 974 of the BUB1B protein (p.Asp974Ala).

NM_001211.6(BUB1B):c.2921A>C (p.Asp974Ala)

Genes: BUB1B (BUB1 mitotic checkpoint serine/threonine kinase B; plus strand), BUB1B-PAK6 (BUB1B-PAK6 readthrough; plus strand). Cytogenetic location: 15q15.1.
Variant type: single nucleotide variant.
Coding change: c.2921A>C on transcript NM_001211.6 (MANE Select); coding-DNA position 2921, A replaced by C.
Protein change: p.Asp974Ala; replaces aspartic acid 974 with alanine.
Molecular consequence: missense variant. On other transcripts: intron variant (2).
Genome position (GRCh38, 1-based): chr15:40,218,526, A>C. VCF-style: chr15-40218526-A-C. GRCh37 (hg19) VCF-style: chr15-40510727-A-C.
Other names: c.-201+859A>C (NM_001128628.3); c.-118+859A>C (NM_001128629.3); short protein forms D974A.
Identifiers: ClinVar variation 2858979 (VCV002858979.3), dbSNP rs2542587790, ClinGen allele CA391688333.